The following is an entry in ClinVar:

ClinVar aggregate classification (germline): Likely benign (1 of 4 stars; one submission).

Conditions:
FGD4-related disorder. Also called: FGD4-related condition.

gnomAD v4.1: 251 of 1,527,346 alleles (0.016%); highest among the groups gnomAD compares: African/African-American, 0.33%; 1 homozygote.

Submission:

PreventionGenetics, part of Exact Sciences
Classification: Likely benign for FGD4-related condition. Last evaluated: 2025-04-28. Review status: criteria provided, single submitter. Criteria: ACMG Guidelines, 2015. Collection method: clinical testing. Allele origin: germline.
Comment: This variant is classified as likely benign based on ACMG/AMP sequence variant interpretation guidelines (Richards et al. 2015 PMID: 25741868, with internal and published modifications).

NM_001370298.3(FGD4):c.167-77997G>A

Gene: FGD4 (FYVE, RhoGEF and PH domain containing 4; plus strand). Cytogenetic location: 12p11.21.
Variant type: single nucleotide variant.
Coding change: c.167-77997G>A on transcript NM_001370298.3 (MANE Select); 77997 bases into the intron before coding-DNA position 167, G replaced by A.
Molecular consequence: intron variant. On other transcripts: missense variant (1), 5 prime UTR variant (1).
Genome position (GRCh38, 1-based): chr12:32,486,140, G>A. VCF-style: chr12-32486140-G-A. GRCh37 (hg19) VCF-style: chr12-32639074-G-A.
Other names: c.7G>A, p.Gly3Ser (NM_001304481.2); c.-344G>A (NM_001330374.2); c.167-77997G>A (NM_001384126.1); short protein forms G3S.
Identifiers: ClinVar variation 4981085 (VCV004981085.1).